The following is an entry in ClinVar:

ClinVar aggregate classification (germline): Pathogenic. Review status: criteria provided, multiple submitters, no conflicts (2 of 4 stars). 2 submissions from 2 submitters: Pathogenic (2). Last evaluated 2021-05-31.

Conditions:
Intellectual disability. Also called: intellectual disabilities; Intellectual developmental disorder; Intellectual functioning disability. Identifiers: MedGen C3714756, MeSH D008607, MONDO:0001071, HP:0001249.
Global developmental delay, absent or hypoplastic corpus callosum, and dysmorphic facies (GDACCF). Identifiers: MedGen C4310644, MONDO:0014994, OMIM 617260.

Submissions (2):

Cytogénomique, Hospices Civils de Lyon
Classification: Pathogenic for Intellectual disability. Last evaluated: 2021-05-31. Review status: criteria provided, single submitter. Criteria: ACMG Guidelines, 2015. Collection method: clinical testing. Allele origin: de novo. Inheritance: Sporadic. Affected: yes. Observed: 1 variant allele, 1 heterozygote.
Comment: de novo truncating variant absent from gnomAD

Institute of Human Genetics Munich, TUM University Hospital
Classification: Pathogenic for Global developmental delay, absent or hypoplastic corpus callosum, and dysmorphic facies. Last evaluated: 2019-11-06. Review status: criteria provided, single submitter. Criteria: Classification criteria August 2017. Collection method: clinical testing. Allele origin: de novo. Inheritance: Autosomal dominant inheritance. Affected: yes. Observed: 1 heterozygote.

NM_021964.3(ZNF148):c.1630_1631del (p.Leu544fs)

Genes: ZNF148 (zinc finger protein 148; minus strand), LOC126806798 (P300/CBP strongly-dependent group 1 enhancer GRCh37_chr3:124950809-124952008; plus strand). Cytogenetic location: 3q21.2.
Variant type: Microsatellite.
Coding change: c.1630_1631del on transcript NM_021964.3 (MANE Select); coding-DNA positions 1630 to 1631, 2 bases deleted (CT; older notation c.1630_1631delCT).
Protein change: p.Leu544fs; shifts the reading frame from leucine 544.
Molecular consequence: frameshift variant.
Genome position (GRCh38, 1-based): chr3:125,233,095-125,233,096, AG deleted on the plus strand (CT on the coding strand, the reverse complement: ZNF148 is on the minus strand); deleting any 2 consecutive bases within chr3:125,233,095-125,233,098 gives the same sequence; the c. name uses the placement nearest the transcript's 3' end. VCF-style (leftmost placement, unchanged base first): chr3-125233094-CAG-C. GRCh37 (hg19) VCF-style: chr3-124951938-CAG-C.
Other names: c.1630_1631del, p.Leu544fs (NM_001348424.1, NM_001348425.2, NM_001348426.2 and 7 more transcripts); c.1504_1505del, p.Leu502fs (NM_001348434.2); short protein forms L502fs, L544fs.
Identifiers: ClinVar variation 807527 (VCV000807527.4), dbSNP rs1579576029, ClinGen allele CA915941565.